The following is an entry in ClinVar:

NM_001447.3(FAT2):c.7757A>G (p.Lys2586Arg)

Genes: FAT2 (FAT atypical cadherin 2; minus strand), SLC36A1 (solute carrier family 36 member 1; plus strand). Cytogenetic location: 5q33.1.
Variant type: single nucleotide variant.
Coding change: c.7757A>G on transcript NM_001447.3 (MANE Select); coding-DNA position 7757, A replaced by G.
Protein change: p.Lys2586Arg; replaces lysine 2586 with arginine.
Molecular consequence: missense variant.
Genome position (GRCh38, 1-based): chr5:151,543,370, T>C on the plus strand (A>G on the coding strand, the complement: FAT2 is on the minus strand). VCF-style: chr5-151543370-T-C. GRCh37 (hg19) VCF-style: chr5-150922931-T-C.
Other names: c.7757A>G (NM_001447.2); short protein forms K2586R.
Identifiers: ClinVar variation 2200741 (VCV002200741.6), dbSNP rs766324045, ClinGen allele CA3520907.
Genomic context (GRCh38, chr5:151,543,370, plus strand): 5'-TGGATAACCGGAGAGTCTTTACTGACATTGGATTGAATGGATACTGTGTACTCAGATGCT[T>C]TGAACTGTGGGGGGTTGTCATTTTCATCTGTGAGGATGATCTTCACCGTGCAGAAGGCTA-3'
Protein context (NP_001438.1, residues 2576-2596): TDENDNPPQF[Lys2586Arg]ASEYTVSIQS

ClinVar aggregate classification (germline): Uncertain significance. Review status: criteria provided, multiple submitters, no conflicts (2 of 4 stars). 3 submissions from 3 submitters: Uncertain significance (3). Last evaluated 2024-10-15.

Conditions:
Spinocerebellar ataxia 45. Identifiers: Orphanet 589527, MedGen C4540400, MONDO:0033480, OMIM 617769.

Allele frequency attached by ClinVar (database versions not stated): TOPMed below 0.00001; ExAC 0.00002; gnomAD exomes 0.00002; gnomAD 0.00003.
gnomAD v4.1: 39 of 1,614,044 alleles (0.0024%); highest among the groups gnomAD compares: Non-Finnish European, 0.0031%; no homozygotes.

Submissions (3):

Labcorp Genetics (formerly Invitae), Labcorp
Classification: Uncertain significance. Last evaluated: 2024-10-15. Review status: criteria provided, single submitter. Criteria: Invitae Variant Classification Sherloc (09022015). Collection method: clinical testing. Allele origin: germline.
Comment: This sequence change replaces lysine, which is basic and polar, with arginine, which is basic and polar, at codon 2586 of the FAT2 protein (p.Lys2586Arg). This variant is present in population databases (rs766324045, gnomAD 0.007%). This variant has not been reported in the literature in individuals affected with FAT2-related conditions. ClinVar contains an entry for this variant (Variation ID: 2200741). Invitae Evidence Modeling of protein sequence and biophysical properties (such as structural, functional, and spatial information, amino acid conservation, physicochemical variation, residue mobility, and thermodynamic stability) indicates that this missense variant is not expected to disrupt FAT2 protein function with a negative predictive value of 80%. In summary, the available evidence is currently insufficient to determine the role of this variant in disease. Therefore, it has been classified as a Variant of Uncertain Significance.

Ambry Genetics
Classification: Uncertain significance. Last evaluated: 2021-10-06. Review status: criteria provided, single submitter. Criteria: Ambry Variant Classification Scheme 2023. Collection method: clinical testing. Allele origin: germline.

Department of Pathology and Laboratory Medicine, Sinai Health System
Classification: Uncertain significance for Spinocerebellar ataxia 45. Last evaluated: 2021-07-30. Review status: criteria provided, single submitter. Criteria: ACMG Guidelines, 2015. Collection method: research. Allele origin: germline.